The following is an entry in ClinVar:

ClinVar aggregate classification (germline): Pathogenic/Likely pathogenic. Review status: criteria provided, multiple submitters, no conflicts (2 of 4 stars). 2 submissions from 2 submitters: Pathogenic (1); Likely pathogenic (1). Last evaluated 2025-07-31.

Conditions:
Dilated cardiomyopathy 1G (CMD1G). Identifiers: Orphanet 154, MedGen C1858763, MONDO:0011400, OMIM 604145.
Autosomal recessive limb-girdle muscular dystrophy type 2J (LGMDR10). Also called: Limb-girdle muscular dystrophy, type 2J; MUSCULAR DYSTROPHY, LIMB-GIRDLE, AUTOSOMAL RECESSIVE 10. Identifiers: Orphanet 140922, MedGen C1837342, MONDO:0012127, OMIM 608807.

Submissions (2):

3billion
Classification: Pathogenic for Dilated cardiomyopathy 1G. Last evaluated: 2025-07-31. Review status: criteria provided, single submitter. Criteria: ACMG Guidelines, 2015. Collection method: clinical testing. Allele origin: germline. Affected: yes.
Comment: The variant is not observed in the gnomAD v4.1.0 dataset. Predicted Consequence/Location: Frameshift: predicted to result in a loss or disruption of normal protein function through nonsense-mediated decay (NMD) or protein truncation. Multiple pathogenic variants are reported downstream of the variant. The variant has been reported to be associated with TTN-related disorder (ClinVar ID: VCV002051792). Therefore, this variant is classified as Pathogenic according to the recommendation of ACMG/AMP guideline.

Labcorp Genetics (formerly Invitae), Labcorp
Classification: Likely pathogenic for Dilated cardiomyopathy 1G; Autosomal recessive limb-girdle muscular dystrophy type 2J. Last evaluated: 2021-12-21. Review status: criteria provided, single submitter. Criteria: Invitae Variant Classification Sherloc (09022015). Collection method: clinical testing. Allele origin: germline.
Comment: This sequence change creates a premature translational stop signal (p.Asp20145Glufs*19) in the TTN gene. While this is not anticipated to result in nonsense mediated decay, it is expected to create a truncated TTN protein. This variant is not present in population databases (gnomAD no frequency). This variant has not been reported in the literature in individuals affected with TTN-related conditions. This variant is located in the A band of TTN (PMID: 25589632). Truncating variants in this region are significantly overrepresented in patients affected with dilated cardiomyopathy (PMID: 25589632). Truncating variants in this region have also been reported in individuals affected with autosomal recessive centronuclear myopathy (PMID: 23975875). In summary, the currently available evidence indicates that the variant is pathogenic, but additional data are needed to prove that conclusively. Therefore, this variant has been classified as Likely Pathogenic.

Literature cited by the submitters: PubMed 25589632 (cited by Labcorp Genetics (formerly Invitae), Labcorp); PubMed 23975875 (cited by Labcorp Genetics (formerly Invitae), Labcorp).

NM_001267550.2(TTN):c.60433_60434dup (p.Asp20145fs)

Genes: TTN (titin; minus strand), TTN-AS1 (TTN antisense RNA 1; plus strand). Cytogenetic location: 2q31.2.
Variant type: Microsatellite.
Coding change: c.60433_60434dup on transcript NM_001267550.2 (MANE Select); coding-DNA positions 60433 to 60434, 2 bases duplicated (GA; older notation c.60433_60434dupGA).
Protein change: p.Asp20145fs; shifts the reading frame from aspartic acid 20145.
Molecular consequence: frameshift variant. On other transcripts: non-coding transcript variant (1).
Genome position (GRCh38, 1-based): chr2:178,591,291-178,591,292, TC duplicated on the plus strand (GA on the coding strand, the reverse complement: TTN is on the minus strand); duplicating any 2 consecutive bases within chr2:178,591,291-178,591,296 gives the same sequence; the c. name uses the placement nearest the transcript's 3' end. VCF-style (leftmost placement, unchanged base first): chr2-178591290-G-GTC. GRCh37 (hg19) VCF-style: chr2-179456017-G-GTC.
Other names: c.55510_55511dup, p.Asp18504fs (NM_001256850.1); c.33238_33239dup, p.Asp11080fs (NM_003319.4); c.52729_52730dup, p.Asp17577fs (NM_133378.4); c.33613_33614dup, p.Asp11205fs (NM_133432.3); c.33814_33815dup, p.Asp11272fs (NM_133437.4); short protein forms D20145fs, D11080fs, D11272fs, D17577fs, D11205fs, D18504fs.
Identifiers: ClinVar variation 2051792 (VCV002051792.5), dbSNP rs2469472228, ClinGen allele CA2580614480.